The following is an entry in ClinVar:

NM_015662.3(IFT172):c.2053C>T (p.Arg685Ter)

Gene: IFT172 (intraflagellar transport 172; minus strand). Cytogenetic location: 2p23.3.
Variant type: single nucleotide variant.
Coding change: c.2053C>T on transcript NM_015662.3 (MANE Select); coding-DNA position 2053, C replaced by T.
Protein change: p.Arg685Ter; replaces arginine 685 with a stop codon.
Molecular consequence: nonsense.
Genome position (GRCh38, 1-based): chr2:27,462,763, G>A on the plus strand (C>T on the coding strand, the complement: IFT172 is on the minus strand). VCF-style: chr2-27462763-G-A. GRCh37 (hg19) VCF-style: chr2-27685630-G-A.
Other names: c.1987C>T, p.Arg663Ter (NM_001410739.1); short protein forms R663*, R685*.
Identifiers: ClinVar variation 3340851 (VCV003340851.2).

ClinVar aggregate classification (germline): Pathogenic/Likely pathogenic. Review status: criteria provided, multiple submitters, no conflicts (2 of 4 stars). 2 submissions from 2 submitters: Pathogenic (1); Likely pathogenic (1). Last evaluated 2024-09-12.

Conditions:
IFT172-related disorder. Also called: IFT172-related condition; IFT172-related disorders.

gnomAD v4.1: 20 of 1,613,982 alleles (0.0012%); highest among the groups gnomAD compares: South Asian, 0.013%; no homozygotes.

Submissions (2):

Blueprint Genetics
Classification: Likely pathogenic for IFT172-related disorders. Last evaluated: 2024-09-12. Review status: criteria provided, single submitter. Criteria: ACMG Guidelines, 2015. Collection method: clinical testing. Allele origin: germline. Affected: yes. Observed: 5 variant alleles.

GeneDx
Classification: Pathogenic. Last evaluated: 2024-01-16. Review status: criteria provided, single submitter. Criteria: GeneDx Variant Classification Process June 2021. Collection method: clinical testing. Allele origin: germline. Affected: yes.
Comment: Nonsense variant predicted to result in protein truncation or nonsense mediated decay in a gene for which loss-of-function is a known mechanism of disease; Not observed at significant frequency in large population cohorts (gnomAD); This variant is associated with the following publications: (PMID: 34426522, 30076350, 31964843)